The following is an entry in ClinVar:

ClinVar aggregate classification (germline): Uncertain significance. Review status: criteria provided, multiple submitters, no conflicts (2 of 4 stars). 2 submissions from 2 submitters: Uncertain significance (2). Last evaluated 2025-03-28.

Conditions:
Baller-Gerold syndrome (BGS). Also called: CRANIOSYNOSTOSIS WITH RADIAL DEFECTS. Identifiers: Orphanet 1225, MedGen C0265308, MONDO:0009039, OMIM 218600.
Inborn genetic diseases. Identifiers: MedGen C0950123, MeSH D030342.

Allele frequency attached by ClinVar (database versions not stated): gnomAD exomes below 0.00001 and 0.00001.
gnomAD v4.1: 7 of 1,610,096 alleles (0.00043%); highest among the groups gnomAD compares: South Asian, 0.0077%; no homozygotes.

Submissions (2):

Ambry Genetics
Classification: Uncertain significance for Inborn genetic diseases. Last evaluated: 2025-03-28. Review status: criteria provided, single submitter. Criteria: Ambry Variant Classification Scheme 2023. Collection method: clinical testing. Allele origin: germline.
Comment: The p.C194Y variant (also known as c.581G>A), located in coding exon 5 of the RECQL4 gene, results from a G to A substitution at nucleotide position 581. The cysteine at codon 194 is replaced by tyrosine, an amino acid with highly dissimilar properties. This amino acid position is conserved. In addition, the in silico prediction for this alteration is inconclusive. Based on the available evidence, the clinical significance of this variant remains unclear.

Labcorp Genetics (formerly Invitae), Labcorp
Classification: Uncertain significance for Baller-Gerold syndrome. Last evaluated: 2022-12-20. Review status: criteria provided, single submitter. Criteria: Invitae Variant Classification Sherloc (09022015). Collection method: clinical testing. Allele origin: germline.
Comment: This sequence change replaces cysteine, which is neutral and slightly polar, with tyrosine, which is neutral and polar, at codon 194 of the RECQL4 protein (p.Cys194Tyr). This variant is present in population databases (no rsID available, gnomAD 0.003%). This variant has not been reported in the literature in individuals affected with RECQL4-related conditions. ClinVar contains an entry for this variant (Variation ID: 1027182). Advanced modeling of protein sequence and biophysical properties (such as structural, functional, and spatial information, amino acid conservation, physicochemical variation, residue mobility, and thermodynamic stability) performed at Invitae indicates that this missense variant is expected to disrupt RECQL4 protein function. In summary, the available evidence is currently insufficient to determine the role of this variant in disease. Therefore, it has been classified as a Variant of Uncertain Significance.

NM_004260.4(RECQL4):c.581G>A (p.Cys194Tyr)

Gene: RECQL4 (RecQ like helicase 4; minus strand). Cytogenetic location: 8q24.3.
Variant type: single nucleotide variant.
Coding change: c.581G>A on transcript NM_004260.4 (MANE Select); coding-DNA position 581, G replaced by A.
Protein change: p.Cys194Tyr; replaces cysteine 194 with tyrosine.
Molecular consequence: missense variant.
Genome position (GRCh38, 1-based): chr8:144,516,538, C>T on the plus strand (G>A on the coding strand, the complement: RECQL4 is on the minus strand). VCF-style: chr8-144516538-C-T. GRCh37 (hg19) VCF-style: chr8-145741922-C-T.
Other names: c.581G>A (NM_004260.3); short protein forms C194Y.
Identifiers: ClinVar variation 1027182 (VCV001027182.4), dbSNP rs1206707992, ClinGen allele CA372690244.